The following is an entry in ClinVar:

ClinVar aggregate classification (germline): Uncertain significance. Review status: criteria provided, multiple submitters, no conflicts (2 of 4 stars). 3 submissions from 3 submitters: Uncertain significance (3). Last evaluated 2024-06-04.

Conditions:
Inborn genetic diseases. Identifiers: MedGen C0950123, MeSH D030342.
Pseudoxanthoma elasticum, forme fruste. Also called: Pseudoxanthoma Elasticum, Incomplete; PSEUDOXANTHOMA ELASTICUM, HETEROZYGOUS. Identifiers: Orphanet 758, MedGen C1867450, MONDO:0008333, OMIM 177850.
Arterial calcification, generalized, of infancy, 2. Identifiers: Orphanet 51608, MedGen C3276161, MONDO:0013768, OMIM 614473.
Autosomal recessive inherited pseudoxanthoma elasticum (PXE). Identifiers: Orphanet 758, MedGen CN032334, MONDO:0009925, OMIM 264800.

Allele frequency attached by ClinVar (database versions not stated): TOPMed 0.00002; ExAC 0.00003; gnomAD exomes 0.00003; gnomAD 0.00003; ESP Exome Variant Server 0.00008.
gnomAD v4.1: 52 of 1,613,020 alleles (0.0032%); highest among the groups gnomAD compares: Middle Eastern, 0.016%; no homozygotes.

Submissions (3):

Fulgent Genetics
Classification: Uncertain significance for Pseudoxanthoma elasticum, forme fruste; Autosomal recessive inherited pseudoxanthoma elasticum; Arterial calcification, generalized, of infancy, 2. Last evaluated: 2024-06-04. Review status: criteria provided, single submitter. Criteria: ACMG Guidelines, 2015. Collection method: clinical testing. Allele origin: germline.

Labcorp Genetics (formerly Invitae), Labcorp
Classification: Uncertain significance. Last evaluated: 2022-10-26. Review status: criteria provided, single submitter. Criteria: Invitae Variant Classification Sherloc (09022015). Collection method: clinical testing. Allele origin: germline.
Comment: This sequence change replaces arginine, which is basic and polar, with glutamine, which is neutral and polar, at codon 1015 of the ABCC6 protein (p.Arg1015Gln). This variant is present in population databases (rs373863345, gnomAD 0.003%). This variant has not been reported in the literature in individuals affected with ABCC6-related conditions. Advanced modeling of protein sequence and biophysical properties (such as structural, functional, and spatial information, amino acid conservation, physicochemical variation, residue mobility, and thermodynamic stability) performed at Invitae indicates that this missense variant is not expected to disrupt ABCC6 protein function. In summary, the available evidence is currently insufficient to determine the role of this variant in disease. Therefore, it has been classified as a Variant of Uncertain Significance.

Ambry Genetics
Classification: Uncertain significance for Inborn genetic diseases. Last evaluated: 2022-07-12. Review status: criteria provided, single submitter. Criteria: Ambry Variant Classification Scheme 2023. Collection method: clinical testing. Allele origin: germline.

NM_001171.6(ABCC6):c.3044G>A (p.Arg1015Gln)

Gene: ABCC6 (ATP binding cassette subfamily C member 6; minus strand). Cytogenetic location: 16p13.11.
Variant type: single nucleotide variant.
Coding change: c.3044G>A on transcript NM_001171.6 (MANE Select); coding-DNA position 3044, G replaced by A.
Protein change: p.Arg1015Gln; replaces arginine 1015 with glutamine.
Molecular consequence: missense variant. On other transcripts: non-coding transcript variant (1).
Genome position (GRCh38, 1-based): chr16:16,165,885, C>T on the plus strand (G>A on the coding strand, the complement: ABCC6 is on the minus strand). VCF-style: chr16-16165885-C-T. GRCh37 (hg19) VCF-style: chr16-16259742-C-T.
Other names: c.2702G>A, p.Arg901Gln (NM_001351800.1); short protein forms R901Q, R1015Q.
Identifiers: ClinVar variation 1907172 (VCV001907172.4), dbSNP rs373863345, ClinGen allele CA7925697.